The following is an entry in ClinVar:

NM_015681.6(B9D1):c.64-1G>A

Gene: B9D1 (B9 domain containing 1; minus strand). Cytogenetic location: 17p11.2.
Variant type: single nucleotide variant.
Coding change: c.64-1G>A on transcript NM_015681.6 (MANE Select); the canonical splice acceptor site of the intron before coding-DNA position 64, G replaced by A.
Molecular consequence: splice acceptor variant.
Genome position (GRCh38, 1-based): chr17:19,360,389, C>T on the plus strand (G>A on the coding strand, the complement: B9D1 is on the minus strand). VCF-style: chr17-19360389-C-T. GRCh37 (hg19) VCF-style: chr17-19263702-C-T.
Other names: c.64-1G>A (NM_001321218.2, NM_001321217.2, NM_001321215.3 and 4 more transcripts); c.-297-1G>A (NM_001368769.2).
Identifiers: ClinVar variation 4884173 (VCV004884173.2).

ClinVar aggregate classification (germline): Likely pathogenic (1 of 4 stars; one submission).

Submission:

Dasa
Classification: Likely pathogenic. Last evaluated: 2025-11-05. Review status: criteria provided, single submitter. Criteria: DASA Assertion Criteria. Collection method: clinical testing. Allele origin: germline.
Comment: NM_015681.6(B9D1):c.64-1G>A affects a canonical splice site and is predicted to disrupt normal RNA splicing. Loss of function is an established disease mechanism for B9D1-associated disorders. Also, this variant is absent from population databases. Based on the currently available evidence, this variant is classified as likely pathogenic.